The following is an entry in ClinVar:

ClinVar aggregate classification (germline): Conflicting classifications of pathogenicity. Review status: criteria provided, conflicting classifications (1 of 4 stars). 6 submissions from 6 submitters: Uncertain significance (1); Likely benign (3). 2 of the submissions do not count toward it. Last evaluated 2026-01-28.

Conditions:
SGCA-related disorder. Also called: SGCA-related condition.
Sarcoglycanopathy. Identifiers: Orphanet 207052, MedGen C2936331, MONDO:0016140.
Autosomal recessive limb-girdle muscular dystrophy type 2D (LGMDR3). Also called: ADHALINOPATHY, PRIMARY; MUSCULAR DYSTROPHY, LIMB-GIRDLE, AUTOSOMAL RECESSIVE 3; DUCHENNE-LIKE AUTOSOMAL RECESSIVE MUSCULAR DYSTROPHY, TYPE 2. Identifiers: Orphanet 62, MedGen C2936332, MONDO:0011968, OMIM 608099. Disease mechanism: Affects gamma-sarcoglycan and also disrupts the integrity of the entire sarcoglycan complex..

Allele frequency attached by ClinVar (database versions not stated): gnomAD 0.00001 and 0.00018; TOPMed 0.00005; gnomAD exomes 0.00045; 1000 Genomes Project 0.00080; ExAC 0.00111; 1000 Genomes Project 30x 0.00141.
gnomAD v4.1: 679 of 1,614,200 alleles (0.042%); highest among the groups gnomAD compares: South Asian, 0.7%; 7 homozygotes.

Submissions (6):

Labcorp Genetics (formerly Invitae), Labcorp
Classification: Likely benign for Autosomal recessive limb-girdle muscular dystrophy type 2D. Last evaluated: 2026-01-28. Review status: criteria provided, single submitter. Criteria: Invitae Variant Classification Sherloc (09022015). Collection method: clinical testing. Allele origin: germline.

Blueprint Genetics
Classification: Likely benign. Last evaluated: 2024-08-14. Review status: criteria provided, single submitter. Criteria: ACMG Guidelines, 2015. Collection method: clinical testing. Allele origin: germline.

Eurofins Ntd Llc (ga)
Classification: Uncertain significance. Last evaluated: 2018-04-19. Review status: criteria provided, single submitter. Criteria: EGL ClinVar v180209 classification definitions. Collection method: clinical testing. Allele origin: germline. Observed: 2 variant alleles, 2 heterozygotes.

Illumina Laboratory Services, Illumina
Classification: Likely benign for Sarcoglycanopathy. Last evaluated: 2018-01-13. Review status: criteria provided, single submitter. Criteria: ICSL Variant Classification Criteria 13 December 2019. Collection method: clinical testing. Allele origin: germline.
Comment: This variant was observed in the ICSL laboratory as part of a predisposition screen in an ostensibly healthy population. It had not been previously curated by ICSL or reported in the Human Gene Mutation Database (HGMD: prior to June 1st, 2018), and was therefore a candidate for classification through an automated scoring system. Utilizing variant allele frequency, disease prevalence and penetrance estimates, and inheritance mode, an automated score was calculated to assess if this variant is too frequent to cause the disease. Based on the score and internal cut-off values, a variant classified as likely benign is not then subjected to further curation. The score for this variant resulted in a classification of likely benign for this disease.

PreventionGenetics, part of Exact Sciences
Classification: Likely benign for SGCA-related condition. Last evaluated: 2024-09-18. Review status: no assertion criteria provided. Collection method: clinical testing. Allele origin: germline. Not counted in ClinVar's aggregate classification.
Comment: This variant is classified as likely benign based on ACMG/AMP sequence variant interpretation guidelines (Richards et al. 2015 PMID: 25741868, with internal and published modifications).

Natera, Inc.
Classification: Benign for Limb-girdle muscular dystrophy type 2D. Last evaluated: 2019-12-19. Review status: no assertion criteria provided. Collection method: clinical testing. Allele origin: germline. Not counted in ClinVar's aggregate classification.

NM_000023.4(SGCA):c.80C>T (p.Thr27Met)

Gene: SGCA (sarcoglycan alpha; plus strand). Cytogenetic location: 17q21.33.
Variant type: single nucleotide variant.
Coding change: c.80C>T on transcript NM_000023.4 (MANE Select); coding-DNA position 80, C replaced by T.
Protein change: p.Thr27Met; replaces threonine 27 with methionine.
Molecular consequence: missense variant. On other transcripts: non-coding transcript variant (1).
Genome position (GRCh38, 1-based): chr17:50,167,410, C>T. VCF-style: chr17-50167410-C-T. GRCh37 (hg19) VCF-style: chr17-48244771-C-T.
Other names: c.80C>T, p.Thr27Met (NM_001135697.3); c.80C>T (NM_000023.3); short protein forms T27M.
Identifiers: ClinVar variation 283448 (VCV000283448.22), dbSNP rs565069721, ClinGen allele CA8643689.